The following is an entry in ClinVar:

NM_033305.3(VPS13A):c.551_554del (p.Met184fs)

Gene: VPS13A (vacuolar protein sorting 13 homolog A; plus strand). Cytogenetic location: 9q21.2.
Variant type: Deletion.
Coding change: c.551_554del on transcript NM_033305.3 (MANE Select); coding-DNA positions 551 to 554, 4 bases deleted (TGCA; older notation c.551_554delTGCA).
Protein change: p.Met184fs; shifts the reading frame from methionine 184.
Molecular consequence: frameshift variant.
Genome position (GRCh38, 1-based): chr9:77,210,671-77,210,674, TGCA deleted; deleting any 4 consecutive bases within chr9:77,210,668-77,210,674 gives the same sequence; the c. name uses the placement nearest the transcript's 3' end. VCF-style (leftmost placement, unchanged base first): chr9-77210667-AGCAT-A. GRCh37 (hg19) VCF-style: chr9-79825583-AGCAT-A.
Other names: c.551_554del, p.Met184fs (NM_001018037.2, NM_001018038.3, NM_015186.4); short protein forms M184fs.
Identifiers: ClinVar variation 939408 (VCV000939408.7), dbSNP rs1825930993, ClinGen allele CA1139660998.

ClinVar aggregate classification (germline): Pathogenic (1 of 4 stars; one submission).

Submission:

Labcorp Genetics (formerly Invitae), Labcorp
Classification: Pathogenic. Last evaluated: 2019-08-07. Review status: criteria provided, single submitter. Criteria: Invitae Variant Classification Sherloc (09022015). Collection method: clinical testing. Allele origin: germline.
Comment: This variant has not been reported in the literature in individuals with VPS13A-related conditions. This sequence change creates a premature translational stop signal (p.Met184Argfs*22) in the VPS13A gene. It is expected to result in an absent or disrupted protein product. This variant is not present in population databases (ExAC no frequency). Loss-of-function variants in VPS13A are known to be pathogenic (PMID: 12404112, 21598378). For these reasons, this variant has been classified as Pathogenic.

Literature cited by the submitters: PubMed 12404112; PubMed 21598378.